The following is an entry in ClinVar:

NM_182972.3(IRF2BP2):c.247C>G (p.Pro83Ala)

Genes: IRF2BP2 (interferon regulatory factor 2 binding protein 2; minus strand), LOC129932812 (ATAC-STARR-seq lymphoblastoid silent region 1977; plus strand). Cytogenetic location: 1q42.3.
Variant type: single nucleotide variant.
Coding change: c.247C>G on transcript NM_182972.3 (MANE Select); coding-DNA position 247, C replaced by G.
Protein change: p.Pro83Ala; replaces proline 83 with alanine.
Molecular consequence: missense variant.
Genome position (GRCh38, 1-based): chr1:234,609,248, G>C on the plus strand (C>G on the coding strand, the complement: IRF2BP2 is on the minus strand). VCF-style: chr1-234609248-G-C. GRCh37 (hg19) VCF-style: chr1-234744994-G-C.
Other names: c.247C>G, p.Pro83Ala (NM_001077397.1); short protein forms P83A.
Identifiers: ClinVar variation 1416137 (VCV001416137.8), dbSNP rs768068178, ClinGen allele CA345311463.
Genomic context (GRCh38, chr1:234,609,248, plus strand): 5'-CGCCGTGGCCAAGCTGCTGCTGCTGCTGCAAAAGGATGTCCTTGGCGGAGAGCGGCGGCG[G>C]CTTGGCGGCGGCCGAGGCCGCGGCGCCGGGTGGGGAGCGACCCTCCGGGAAGCAGCCGTG-3'
Protein context (NP_892017.2, residues 73-93): PGAAASAAAK[Pro83Ala]PPLSAKDILL

ClinVar aggregate classification (germline): Uncertain significance (1 of 4 stars; one submission).

Submission:

Labcorp Genetics (formerly Invitae), Labcorp
Classification: Uncertain significance. Last evaluated: 2022-06-09. Review status: criteria provided, single submitter. Criteria: Invitae Variant Classification Sherloc (09022015). Collection method: clinical testing. Allele origin: germline.
Comment: This sequence change replaces proline, which is neutral and non-polar, with alanine, which is neutral and non-polar, at codon 83 of the IRF2BP2 protein (p.Pro83Ala). In summary, the available evidence is currently insufficient to determine the role of this variant in disease. Therefore, it has been classified as a Variant of Uncertain Significance. Algorithms developed to predict the effect of missense changes on protein structure and function are either unavailable or do not agree on the potential impact of this missense change (SIFT: "Tolerated"; PolyPhen-2: "Possibly Damaging"; Align-GVGD: "Class C0"). This variant has not been reported in the literature in individuals affected with IRF2BP2-related conditions. This variant is not present in population databases (gnomAD no frequency).